The following is an entry in ClinVar:

NM_006648.4(WNK2):c.3760A>G (p.Met1254Val)

Gene: WNK2 (WNK lysine deficient protein kinase 2; plus strand). Cytogenetic location: 9q22.31.
Variant type: single nucleotide variant.
Coding change: c.3760A>G on transcript NM_006648.4 (MANE Select); coding-DNA position 3760, A replaced by G.
Protein change: p.Met1254Val; replaces methionine 1254 with valine.
Molecular consequence: missense variant.
Genome position (GRCh38, 1-based): chr9:93,267,809, A>G. VCF-style: chr9-93267809-A-G. GRCh37 (hg19) VCF-style: chr9-96030091-A-G.
Other names: c.3760A>G, p.Met1254Val (NM_001282394.3); short protein forms M1254V.
Identifiers: ClinVar variation 4866708 (VCV004866708.1).
Genomic context (GRCh38, chr9:93,267,809, plus strand): 5'-GAGCATGACTTTATCCTGCAGGCCGAGCGGGAAACGTTCATCGAGCAGATGAAGGATGTC[A>G]TGGACAAGGCAGAGGACATGCTCAGCGAGGACACAGACGCCGACCGTGGCTCCGACCCAG-3'
Protein context (NP_006639.3, residues 1244-1264): ETFIEQMKDV[Met1254Val]DKAEDMLSED

ClinVar aggregate classification (germline): Uncertain significance (1 of 4 stars; one submission).

Submission:

Ambry Genetics
Classification: Uncertain significance. Last evaluated: 2026-05-27. Review status: criteria provided, single submitter. Criteria: Ambry Variant Classification Scheme 2023. Collection method: clinical testing. Allele origin: germline.
Comment: The p.M1254V variant (also known as c.3760A>G), located in coding exon 16 of the WNK2 gene, results from an A to G substitution at nucleotide position 3760. The methionine at codon 1254 is replaced by valine, an amino acid with highly similar properties. This amino acid position is conserved. In addition, this alteration is predicted to be tolerated by in silico analysis. Based on the available evidence, the clinical significance of this variant remains unclear.